The following is an entry in ClinVar:

NM_014334.4(FRRS1L):c.164C>A (p.Ala55Glu)

Gene: FRRS1L (ferric chelate reductase 1 like; minus strand). Cytogenetic location: 9q31.3.
Variant type: single nucleotide variant.
Coding change: c.164C>A on transcript NM_014334.4 (MANE Select); coding-DNA position 164, C replaced by A.
Protein change: p.Ala55Glu; replaces alanine 55 with glutamic acid.
Molecular consequence: missense variant.
Genome position (GRCh38, 1-based): chr9:109,166,975, G>T on the plus strand (C>A on the coding strand, the complement: FRRS1L is on the minus strand). VCF-style: chr9-109166975-G-T. GRCh37 (hg19) VCF-style: chr9-111929255-G-T.
Other names: short protein forms A55E.
Identifiers: ClinVar variation 659265 (VCV000659265.8), dbSNP rs746670149, ClinGen allele CA5177488.

ClinVar aggregate classification (germline): Uncertain significance. Review status: criteria provided, multiple submitters, no conflicts (2 of 4 stars). 3 submissions from 3 submitters: Uncertain significance (3). Last evaluated 2022-10-25.

Conditions:
Developmental and epileptic encephalopathy, 37 (DEE37). Also called: Epileptic encephalopathy, early infantile, 37. Identifiers: MedGen C4310770, MONDO:0014859, OMIM 616981.
Inborn genetic diseases. Identifiers: MedGen C0950123, MeSH D030342.

Allele frequency attached by ClinVar (database versions not stated): ExAC below 0.00001; TOPMed 0.00007; gnomAD 0.00008 and 0.00009.
gnomAD v4.1: 20 of 1,306,570 alleles (0.0015%); highest among the groups gnomAD compares: African/African-American, 0.03%; no homozygotes.

Submissions (3):

Labcorp Genetics (formerly Invitae), Labcorp
Classification: Uncertain significance for Developmental and epileptic encephalopathy, 37. Last evaluated: 2022-10-25. Review status: criteria provided, single submitter. Criteria: Invitae Variant Classification Sherloc (09022015). Collection method: clinical testing. Allele origin: germline.
Comment: This sequence change replaces alanine, which is neutral and non-polar, with glutamic acid, which is acidic and polar, at codon 106 of the FRRS1L protein (p.Ala106Glu). This variant is present in population databases (rs746670149, gnomAD 0.01%). This variant has not been reported in the literature in individuals affected with FRRS1L-related conditions. ClinVar contains an entry for this variant (Variation ID: 659265). Algorithms developed to predict the effect of missense changes on protein structure and function (SIFT, PolyPhen-2, Align-GVGD) all suggest that this variant is likely to be tolerated. In summary, the available evidence is currently insufficient to determine the role of this variant in disease. Therefore, it has been classified as a Variant of Uncertain Significance.

GeneDx
Classification: Uncertain significance. Last evaluated: 2022-10-18. Review status: criteria provided, single submitter. Criteria: GeneDx Variant Classification Process June 2021. Collection method: clinical testing. Allele origin: germline. Affected: yes.
Comment: Not observed at significant frequency in large population cohorts (gnomAD); In silico analysis supports that this missense variant does not alter protein structure/function; Has not been previously published as pathogenic or benign to our knowledge

Ambry Genetics
Classification: Uncertain significance for Inborn genetic diseases. Last evaluated: 2021-09-17. Review status: criteria provided, single submitter. Criteria: Ambry Variant Classification Scheme 2023. Collection method: clinical testing. Allele origin: germline.